The following continues an entry in ClinVar:

NM_007294.4(BRCA1):c.3823A>G (p.Ile1275Val)

ClinVar aggregate classification (germline): Benign. Benign (1).

Submissions 15 to 26 of 26:

Genome Diagnostics Laboratory, University Medical Center Utrecht
Classification: Benign for Breast-ovarian cancer, familial, susceptibility to, 1. Last evaluated: 2017-07-28. Review status: criteria provided, single submitter. Criteria: ACGS Guidelines, 2013. Collection method: clinical testing. Allele origin: germline. Affected: yes. Study: VKGL Data-share Consensus. Not counted in ClinVar's aggregate classification.

Clinical Genetics DNA and cytogenetics Diagnostics Lab, Erasmus MC, Erasmus Medical Center
Classification: Benign for Breast-ovarian cancer, familial, susceptibility to, 1. Last evaluated: 2015-09-21. Review status: criteria provided, single submitter. Criteria: ACGS Guidelines, 2013. Collection method: clinical testing. Allele origin: germline. Affected: yes. Study: VKGL Data-share Consensus. Not counted in ClinVar's aggregate classification.

Eurofins Ntd Llc (ga)
Classification: Uncertain significance. Last evaluated: 2015-04-22. Review status: criteria provided, single submitter. Criteria: EGL Classification Definitions 2015. Collection method: clinical testing. Allele origin: germline. Observed: 1 variant allele, 1 heterozygote. Not counted in ClinVar's aggregate classification.

Genomic Diagnostic Laboratory, Division of Genomic Diagnostics, Children's Hospital of Philadelphia
Classification: Uncertain significance for Hereditary Breast and Ovarian Cancer. Last evaluated: 2015-02-05. Review status: criteria provided, single submitter. Criteria: DGD Variant Analysis Guidelines. Collection method: clinical testing. Allele origin: unknown. Not counted in ClinVar's aggregate classification.

Ambry Genetics
Classification: Benign for Hereditary cancer-predisposing syndrome. Last evaluated: 2014-11-18. Review status: criteria provided, single submitter. Criteria: Ambry Variant Classification Scheme 2023. Collection method: clinical testing. Allele origin: germline. Not counted in ClinVar's aggregate classification.

Breakthrough Genomics
Classification: Benign. Review status: criteria provided, single submitter. Criteria: ACMG Guidelines, 2015. Collection method: not provided. Allele origin: germline. Inheritance: Autosomal recessive inheritance. Affected: yes. Not counted in ClinVar's aggregate classification.

PreventionGenetics, part of Exact Sciences
Classification: Likely benign for BRCA1-related condition. Last evaluated: 2020-03-05. Review status: no assertion criteria provided. Collection method: clinical testing. Allele origin: germline. Not counted in ClinVar's aggregate classification.
Comment: This variant is classified as likely benign based on ACMG/AMP sequence variant interpretation guidelines (Richards et al. 2015 PMID: 25741868, with internal and published modifications).

ITMI
No classification provided. Condition: AllHighlyPenetrant. Last evaluated: 2013-09-19. Review status: no classification provided. Collection method: reference population. Allele origin: germline. Not counted in ClinVar's aggregate classification.
Comment: Please see associated publication for description of ethnicities

Biesecker Lab/Clinical Genomics Section, National Institutes of Health
Classification: Uncertain significance. Last evaluated: 2012-07-13. Review status: no assertion criteria provided. Collection method: research. Allele origin: germline. Affected: no. Observed: 1 variant allele. Study: ClinSeq. Not counted in ClinVar's aggregate classification.
ClinVar note: Converted during submission from variant of unknown significance to Uncertain significance.

Sharing Clinical Reports Project (SCRP)
Classification: Benign for Breast-ovarian cancer, familial 1. Last evaluated: 2008-11-12. Review status: no assertion criteria provided. Collection method: clinical testing. Allele origin: germline. Not counted in ClinVar's aggregate classification.

Breast Cancer Information Core (BIC) (BRCA1)
Classification: Uncertain significance for Breast-ovarian cancer, familial 1. Last evaluated: 2002-05-29. Review status: no assertion criteria provided. Collection method: clinical testing. Allele origin: germline. Affected: yes. Observed: 13 variant alleles. Not counted in ClinVar's aggregate classification.

Joint Genome Diagnostic Labs from Nijmegen and Maastricht, Radboudumc and MUMC+
Classification: Benign. Review status: no assertion criteria provided. Collection method: clinical testing. Allele origin: germline. Affected: yes. Study: VKGL Data-share Consensus. Not counted in ClinVar's aggregate classification.

Literature cited by the submitters: PubMed 31131967 (cited by Evidence-based Network for the Interpretation of Germline Mutant Alleles (ENIGMA)); PubMed 16267036 (cited by Women's Health and Genetics/Laboratory Corporation of America, LabCorp); PubMed 21990134 (cited by Women's Health and Genetics/Laboratory Corporation of America, LabCorp); PubMed 20104584 (cited by Women's Health and Genetics/Laboratory Corporation of America, LabCorp and Department of Pathology and Laboratory Medicine, Sinai Health System); PubMed 15235020 (cited by Women's Health and Genetics/Laboratory Corporation of America, LabCorp); PubMed 17924331 (cited by Women's Health and Genetics/Laboratory Corporation of America, LabCorp); PubMed 18824701 (cited by Women's Health and Genetics/Laboratory Corporation of America, LabCorp); PubMed 21520273 (cited by Women's Health and Genetics/Laboratory Corporation of America, LabCorp); PubMed 19471317 (cited by Women's Health and Genetics/Laboratory Corporation of America, LabCorp and Department of Pathology and Laboratory Medicine, Sinai Health System); PubMed 23961350 (cited by Women's Health and Genetics/Laboratory Corporation of America, LabCorp and Department of Pathology and Laboratory Medicine, Sinai Health System); PubMed 21120943 (cited by Women's Health and Genetics/Laboratory Corporation of America, LabCorp); PubMed 22476429 (cited by Women's Health and Genetics/Laboratory Corporation of America, LabCorp); PubMed 24728327 (cited by 3 submitters); PubMed 18273839 (cited by Women's Health and Genetics/Laboratory Corporation of America, LabCorp and Department of Pathology and Laboratory Medicine, Sinai Health System); PubMed 26543556 (cited by Women's Health and Genetics/Laboratory Corporation of America, LabCorp); PubMed 27616075 (cited by Women's Health and Genetics/Laboratory Corporation of America, LabCorp and Department of Pathology and Laboratory Medicine, Sinai Health System); PubMed 27741520 (cited by Women's Health and Genetics/Laboratory Corporation of America, LabCorp and Department of Pathology and Laboratory Medicine, Sinai Health System); PubMed 26933808 (cited by Women's Health and Genetics/Laboratory Corporation of America, LabCorp and Department of Pathology and Laboratory Medicine, Sinai Health System); PubMed 26580448 (cited by Women's Health and Genetics/Laboratory Corporation of America, LabCorp and Department of Pathology and Laboratory Medicine, Sinai Health System); PubMed 29116469 (cited by Women's Health and Genetics/Laboratory Corporation of America, LabCorp); PubMed 30254663 (cited by Women's Health and Genetics/Laboratory Corporation of America, LabCorp); PubMed 30263092 (cited by Women's Health and Genetics/Laboratory Corporation of America, LabCorp); PubMed 30400234 (cited by Women's Health and Genetics/Laboratory Corporation of America, LabCorp); PubMed 33471991 (cited by Department of Pathology and Laboratory Medicine, Sinai Health System).